The following is an entry in ClinVar:

NM_006277.3(ITSN2):c.1304A>G (p.Gln435Arg)

Gene: ITSN2 (intersectin 2; minus strand). Cytogenetic location: 2p23.3.
Variant type: single nucleotide variant.
Coding change: c.1304A>G on transcript NM_006277.3 (MANE Select); coding-DNA position 1304, A replaced by G.
Protein change: p.Gln435Arg; replaces glutamine 435 with arginine.
Molecular consequence: missense variant.
Genome position (GRCh38, 1-based): chr2:24,299,949, T>C on the plus strand (A>G on the coding strand, the complement: ITSN2 is on the minus strand). VCF-style: chr2-24299949-T-C. GRCh37 (hg19) VCF-style: chr2-24522818-T-C.
Other names: c.1304A>G, p.Gln435Arg (NM_147152.3, NM_001348182.2, NM_001348183.2 and 3 more transcripts); c.1262A>G, p.Gln421Arg (NM_001348181.2, NM_001348184.2); short protein forms Q421R, Q435R.
Identifiers: ClinVar variation 2012999 (VCV002012999.4), dbSNP rs2465674053, ClinGen allele CA346041408.
Genomic context (GRCh38, chr2:24,299,949, plus strand): 5'-GTAAAAAACTTAAAAATAACCTCTCGTCTTTCTATGTCTTTTCTCCTTTCTTCCTCTCGT[T>C]GTCTCTCCAATTCCCGTTGCTTCTCTAAGCGTTTTTCTAATTCAAGTTGTTTCTTCCATT-3'
Protein context (NP_006268.2, residues 425-445): RLEKQRELER[Gln435Arg]REEERRKDIE

ClinVar aggregate classification (germline): Uncertain significance (1 of 4 stars; one submission).

Submission:

Labcorp Genetics (formerly Invitae), Labcorp
Classification: Uncertain significance. Last evaluated: 2024-10-25. Review status: criteria provided, single submitter. Criteria: Invitae Variant Classification Sherloc (09022015). Collection method: clinical testing. Allele origin: germline.
Comment: This sequence change replaces glutamine, which is neutral and polar, with arginine, which is basic and polar, at codon 435 of the ITSN2 protein (p.Gln435Arg). This variant is not present in population databases (gnomAD no frequency). This variant has not been reported in the literature in individuals affected with ITSN2-related conditions. ClinVar contains an entry for this variant (Variation ID: 2012999). Experimental studies and prediction algorithms are not available or were not evaluated, and the functional significance of this variant is currently unknown. In summary, the available evidence is currently insufficient to determine the role of this variant in disease. Therefore, it has been classified as a Variant of Uncertain Significance.